The following is an entry in ClinVar:

ClinVar aggregate classification (germline): Pathogenic/Likely pathogenic. Review status: criteria provided, multiple submitters, no conflicts (2 of 4 stars). 2 submissions from 2 submitters: Pathogenic (1); Likely pathogenic (1). Last evaluated 2021-09-08.

Conditions:
Hereditary breast ovarian cancer syndrome. Also called: BRCA1- and BRCA2-Associated Hereditary Breast and Ovarian Cancer; Hereditary breast and ovarian cancer syndrome (HBOC); Hereditary breast and ovarian cancer syndrome; Hereditary breast and ovarian cancer; Breast and ovarian cancer; Hereditary breast and/or ovarian cancer syndrome. Identifiers: Orphanet 145, MedGen C0677776, MeSH D061325, MONDO:0003582. Disease mechanism: loss of function.

Allele frequency attached by ClinVar (database versions not stated): gnomAD exomes below 0.00001.
gnomAD v4.1: 1 of 1,614,008 alleles (0.000062%); highest among the groups gnomAD compares: South Asian, 0.0011%; no homozygotes.

Submissions (2):

Labcorp Genetics (formerly Invitae), Labcorp
Classification: Pathogenic for Hereditary breast ovarian cancer syndrome. Last evaluated: 2021-09-08. Review status: criteria provided, single submitter. Criteria: Invitae Variant Classification Sherloc (09022015). Collection method: clinical testing. Allele origin: germline.
Comment: This sequence change creates a premature translational stop signal (p.Lys1602*) in the BRCA2 gene. It is expected to result in an absent or disrupted protein product. Loss-of-function variants in BRCA2 are known to be pathogenic (PMID: 20104584). This variant is not present in population databases (ExAC no frequency). This variant has not been reported in the literature in individuals affected with BRCA2-related conditions. For these reasons, this variant has been classified as Pathogenic.

Laboratory for Molecular Medicine, Mass General Brigham Personalized Medicine
Classification: Likely pathogenic for Hereditary breast ovarian cancer syndrome. Last evaluated: 2019-10-14. Review status: criteria provided, single submitter. Criteria: ACMG Guidelines, 2015. Collection method: clinical testing. Allele origin: germline.
Comment: The p.Lys1602X variant in BRCA2 has not been previously reported in individuals with hereditary breast and/or ovarian cancer (HBOC) and was absent from large population studies. This nonsense variant leads to a premature termination codon at position 1602, which is predicted to lead to a truncated or absent protein. Loss of function of the BRCA2 gene is an established disease mechanism in autosomal dominant HBOC. In summary, although additional studies are required to fully establish its clinical significance, this variant meets criteria to be classified as likely pathogenic for autosomal dominant HBOC. ACMG/AMP Criteria applied: PVS1, PM2.

Literature cited by the submitters: PubMed 20104584 (cited by Labcorp Genetics (formerly Invitae), Labcorp).

NM_000059.4(BRCA2):c.4804A>T (p.Lys1602Ter)

Gene: BRCA2 (BRCA2 DNA repair associated; plus strand). Cytogenetic location: 13q13.1.
Variant type: single nucleotide variant.
Coding change: c.4804A>T on transcript NM_000059.4 (MANE Select); coding-DNA position 4804, A replaced by T.
Protein change: p.Lys1602Ter; replaces lysine 1602 with a stop codon.
Molecular consequence: nonsense.
Genome position (GRCh38, 1-based): chr13:32,339,159, A>T. VCF-style: chr13-32339159-A-T. GRCh37 (hg19) VCF-style: chr13-32913296-A-T.
Other names: short protein forms K1602*.
Identifiers: ClinVar variation 1393083 (VCV001393083.7), dbSNP rs1566231167, ClinGen allele CA387783265.